The following is an entry in ClinVar:

ClinVar aggregate classification (germline): Pathogenic/Likely pathogenic. Review status: criteria provided, multiple submitters, no conflicts (2 of 4 stars). 4 submissions from 4 submitters: Pathogenic (3); Likely pathogenic (1). Last evaluated 2026-01-07.

Conditions:
Palmoplantar keratoderma i, striate, focal, or diffuse. Also called: Keratosis Palmoplantaris Striata I, AD; KERATOSIS PALMOPLANTARIS STRIATA I; KERATODERMA, PALMOPLANTAR, STRIATE FORM I; PALMOPLANTAR KERATODERMA I, STRIATE OR DIFFUSE; PALMOPLANTAR KERATODERMA I, FOCAL; STRIATE PALMOPLANTAR KERATODERMA I. Identifiers: Orphanet 369999, Orphanet 370002, MedGen C2931122, MONDO:0007859, OMIM 148700.

Allele frequency attached by ClinVar (database versions not stated): gnomAD 0.00001.
gnomAD v4.1: 3 of 1,613,610 alleles (0.00019%); highest among the groups gnomAD compares: Admixed American, 0.0033%; no homozygotes.

Submissions (4):

Variantyx, Inc.
Classification: Pathogenic for Palmoplantar keratoderma i, striate, focal, or diffuse. Last evaluated: 2026-01-07. Review status: criteria provided, single submitter. Criteria: Variantyx Assertion Criteria 2022. Collection method: clinical testing. Allele origin: germline. Inheritance: Autosomal dominant inheritance. Affected: yes.
Comment: This is a nonsense variant in the DSG1 gene (OMIM: 125670). Pathogenic variants in this gene have been associated with autosomal dominant keratosis palmoplantaris striata I. This variant introduces a premature termination codon in exon 3 out of 15 and is expected to result in loss of function, which is a known disease mechanism for DSG1 in this disorder (PMID: 31443639) (PVS1). This variant has been observed to segregate with disease in at least 6 individuals from one family (PMID: 31443639) (PP1). It has a 0.0033% maximum allele frequency in non-founder control populations (PM2). Based on the current evidence, this variant is classified as pathogenic for autosomal dominant Keratosis palmoplantaris striata I.

Labcorp Genetics (formerly Invitae), Labcorp
Classification: Pathogenic. Last evaluated: 2025-12-24. Review status: criteria provided, single submitter. Criteria: Invitae Variant Classification Sherloc (09022015). Collection method: clinical testing. Allele origin: germline.
Comment: This sequence change creates a premature translational stop signal (p.Arg45*) in the DSG1 gene. It is expected to result in an absent or disrupted protein product. Loss-of-function variants in DSG1 are known to be pathogenic (PMID: 19018793, 23974871, 27534273, 27632246, 29604126). This variant is present in population databases (no rsID available, gnomAD 0.1%). This premature translational stop signal has been observed in individual(s) with DSG1-related conditions (PMID: 31443639). ClinVar contains an entry for this variant (Variation ID: 495107). For these reasons, this variant has been classified as Pathogenic.

CeGaT Center for Human Genetics Tuebingen
Classification: Pathogenic. Last evaluated: 2020-04-01. Review status: criteria provided, single submitter. Criteria: CeGaT Center For Human Genetics Tuebingen Variant Classification Criteria Version 2. Collection method: clinical testing. Allele origin: germline. Affected: yes. Observed: 2 variant alleles.

Tehran Medical Genetics Laboratory
Classification: Likely pathogenic for Palmoplantar keratoderma i, striate, focal, or diffuse. Last evaluated: 2016-10-11. Review status: criteria provided, single submitter. Criteria: ACMG Guidelines, 2015. Collection method: clinical testing. Allele origin: inherited. Inheritance: Autosomal dominant inheritance. Affected: yes. Observed: 1 variant allele, 1 heterozygote.

Literature cited by the submitters: PubMed 31443639 (cited by Variantyx, Inc. and Labcorp Genetics (formerly Invitae), Labcorp); PubMed 19018793 (cited by Labcorp Genetics (formerly Invitae), Labcorp); PubMed 23974871 (cited by Labcorp Genetics (formerly Invitae), Labcorp); PubMed 27534273 (cited by Labcorp Genetics (formerly Invitae), Labcorp); PubMed 27632246 (cited by Labcorp Genetics (formerly Invitae), Labcorp); PubMed 29604126 (cited by Labcorp Genetics (formerly Invitae), Labcorp).

NM_001942.4(DSG1):c.133C>T (p.Arg45Ter)

Gene: DSG1 (desmoglein 1; plus strand). Cytogenetic location: 18q12.1.
Variant type: single nucleotide variant.
Coding change: c.133C>T on transcript NM_001942.4 (MANE Select); coding-DNA position 133, C replaced by T.
Protein change: p.Arg45Ter; replaces arginine 45 with a stop codon.
Molecular consequence: nonsense.
Genome position (GRCh38, 1-based): chr18:31,326,922, C>T. VCF-style: chr18-31326922-C-T. GRCh37 (hg19) VCF-style: chr18-28906885-C-T.
Other names: short protein forms R45*.
Identifiers: ClinVar variation 495107 (VCV000495107.49), dbSNP rs1182196436, ClinGen allele CA402127750.